The following is an entry in ClinVar:

ClinVar aggregate classification (germline): Uncertain significance (1 of 4 stars; one submission).

Conditions:
Congenital muscular dystrophy due to integrin alpha-7 deficiency. Also called: MYOPATHY, CONGENITAL, DUE TO INTEGRIN ALPHA-7 DEFICIENCY; Congenital muscular dystrophy with integrin alpha-7 deficiency; Muscular dystrophy, congenital, due to ITGA7 deficiency. Identifiers: Orphanet 34520, MedGen C2750786, MONDO:0013177, OMIM 613204.

Allele frequency attached by ClinVar (database versions not stated): gnomAD exomes below 0.00001.
gnomAD v4.1: 1 of 1,609,662 alleles (0.000062%); highest among the groups gnomAD compares: South Asian, 0.0011%; no homozygotes.

Submission:

Labcorp Genetics (formerly Invitae), Labcorp
Classification: Uncertain significance for Congenital muscular dystrophy due to integrin alpha-7 deficiency. Last evaluated: 2023-07-07. Review status: criteria provided, single submitter. Criteria: Invitae Variant Classification Sherloc (09022015). Collection method: clinical testing. Allele origin: germline.
Comment: ClinVar contains an entry for this variant (Variation ID: 1928837). This variant has not been reported in the literature in individuals affected with ITGA7-related conditions. This variant is not present in population databases (gnomAD no frequency). This sequence change replaces alanine, which is neutral and non-polar, with valine, which is neutral and non-polar, at codon 258 of the ITGA7 protein (p.Ala258Val). An algorithm developed to predict the effect of missense changes on protein structure and function (PolyPhen-2) suggests that this variant is likely to be tolerated. In summary, the available evidence is currently insufficient to determine the role of this variant in disease. Therefore, it has been classified as a Variant of Uncertain Significance.

NM_002206.3(ITGA7):c.773C>T (p.Ala258Val)

Gene: ITGA7 (integrin subunit alpha 7; minus strand). Cytogenetic location: 12q13.2.
Variant type: single nucleotide variant.
Coding change: c.773C>T on transcript NM_002206.3 (MANE Select); coding-DNA position 773, C replaced by T.
Protein change: p.Ala258Val; replaces alanine 258 with valine.
Molecular consequence: missense variant. On other transcripts: intron variant (7).
Genome position (GRCh38, 1-based): chr12:55,699,887, G>A on the plus strand (C>T on the coding strand, the complement: ITGA7 is on the minus strand). VCF-style: chr12-55699887-G-A. GRCh37 (hg19) VCF-style: chr12-56093671-G-A.
Other names: c.773C>T, p.Ala258Val (NM_001374465.1, NM_001414031.1, NM_001414034.1); c.905C>T, p.Ala302Val (NM_001410977.1); c.590C>T, p.Ala197Val (NM_001414033.1); c.434C>T, p.Ala145Val (NM_001414035.1); c.511+375C>T (NM_001144997.2); c.463+375C>T (NM_001367993.1); c.-502-970C>T (NM_001367994.1); c.671-970C>T (NM_001414032.1); and 1 more; short protein forms A145V, A302V, A197V, A258V.
Identifiers: ClinVar variation 1928837 (VCV001928837.5), dbSNP rs2539830863, ClinGen allele CA385191402.